The following is an entry in ClinVar:

NM_024741.3(ZNF408):c.122A>G (p.Lys41Arg)

Gene: ZNF408 (zinc finger protein 408; plus strand). Cytogenetic location: 11p11.2.
Variant type: single nucleotide variant.
Coding change: c.122A>G on transcript NM_024741.3 (MANE Select); coding-DNA position 122, A replaced by G.
Protein change: p.Lys41Arg; replaces lysine 41 with arginine.
Molecular consequence: missense variant.
Genome position (GRCh38, 1-based): chr11:46,701,468, A>G. VCF-style: chr11-46701468-A-G. GRCh37 (hg19) VCF-style: chr11-46723018-A-G.
Other names: c.98A>G, p.Lys33Arg (NM_001184751.2); short protein forms K41R, K33R.
Identifiers: ClinVar variation 1476568 (VCV001476568.6), dbSNP rs2064704662, ClinGen allele CA380251563.

ClinVar aggregate classification (germline): Uncertain significance (1 of 4 stars; one submission).

Allele frequency attached by ClinVar (database versions not stated): gnomAD exomes below 0.00001.

Submission:

Labcorp Genetics (formerly Invitae), Labcorp
Classification: Uncertain significance. Last evaluated: 2024-10-25. Review status: criteria provided, single submitter. Criteria: Invitae Variant Classification Sherloc (09022015). Collection method: clinical testing. Allele origin: germline.
Comment: This sequence change replaces lysine, which is basic and polar, with arginine, which is basic and polar, at codon 41 of the ZNF408 protein (p.Lys41Arg). This variant is not present in population databases (gnomAD no frequency). This variant has not been reported in the literature in individuals affected with ZNF408-related conditions. ClinVar contains an entry for this variant (Variation ID: 1476568). An algorithm developed to predict the effect of missense changes on protein structure and function outputs the following: PolyPhen-2: "Benign". The arginine amino acid residue is found in multiple mammalian species, which suggests that this missense change does not adversely affect protein function. In summary, the available evidence is currently insufficient to determine the role of this variant in disease. Therefore, it has been classified as a Variant of Uncertain Significance.